The following is an entry in ClinVar:

ClinVar aggregate classification (germline): Pathogenic (1 of 4 stars; one submission).

Conditions:
Mitochondrial trifunctional protein deficiency. Identifiers: Orphanet 746, MedGen C1969443, MONDO:0012172.
Long chain 3-hydroxyacyl-CoA dehydrogenase deficiency. Also called: Deficiency of long-chain 3-hydroxyacyl-coenzyme A dehydrogenase; LCHAD Deficiency. Identifiers: Orphanet 5, MedGen C3711645, MONDO:0012173, OMIM 609016.

Submission:

Labcorp Genetics (formerly Invitae), Labcorp
Classification: Pathogenic for Mitochondrial trifunctional protein deficiency; Long chain 3-hydroxyacyl-CoA dehydrogenase deficiency. Last evaluated: 2023-02-02. Review status: criteria provided, single submitter. Criteria: Invitae Variant Classification Sherloc (09022015). Collection method: clinical testing. Allele origin: unknown.
Comment: A gross deletion of the genomic region encompassing the full coding sequence of the HADHA gene has been identified. Loss-of-function variants in HADHA are known to be pathogenic (PMID: 7738175, 21103935, 21549624, 22459206). The boundaries of this event are unknown as they extend beyond the assayed region for this gene and therefore may encompass additional genes. This variant has not been reported in the literature in individuals affected with HADHA-related conditions. For these reasons, this variant has been classified as Pathogenic.

Literature cited by the submitters: PubMed 7738175; PubMed 21103935; PubMed 21549624; PubMed 22459206.

NC_000002.11:g.(?_26414119)_(26502265_?)del

Genes: HADHA (hydroxyacyl-CoA dehydrogenase trifunctional multienzyme complex subunit alpha; minus strand), HADHB (hydroxyacyl-CoA dehydrogenase trifunctional multienzyme complex subunit beta; plus strand). Cytogenetic location: 2p23.3.
Variant type: Deletion.
Identifiers: ClinVar variation 3247340 (VCV003247340.1).